The following is an entry in ClinVar:

NM_001267550.2(TTN):c.17364C>A (p.Tyr5788Ter)

Genes: TTN (titin; minus strand), LOC126806431 (CDK7 strongly-dependent group 2 enhancer GRCh37_chr2:179595719-179596918; plus strand). Cytogenetic location: 2q31.2.
Variant type: single nucleotide variant.
Coding change: c.17364C>A on transcript NM_001267550.2 (MANE Select); coding-DNA position 17364, C replaced by A.
Protein change: p.Tyr5788Ter; replaces tyrosine 5788 with a stop codon.
Molecular consequence: nonsense. On other transcripts: intron variant (3).
Genome position (GRCh38, 1-based): chr2:178,731,402, G>T on the plus strand (C>A on the coding strand, the complement: TTN is on the minus strand). VCF-style: chr2-178731402-G-T. GRCh37 (hg19) VCF-style: chr2-179596129-G-T.
Other names: c.16413C>A, p.Tyr5471Ter (NM_001256850.1); c.13632C>A, p.Tyr4544Ter (NM_133378.4); c.13282+6680C>A (NM_003319.4); c.13858+6680C>A (NM_133437.4); c.13657+6680C>A (NM_133432.3); short protein forms Y4544*, Y5788*, Y5471*.
Identifiers: ClinVar variation 4785609 (VCV004785609.1).

ClinVar aggregate classification (germline): Likely pathogenic (1 of 4 stars; one submission).

Conditions:
Autosomal recessive limb-girdle muscular dystrophy type 2J (LGMDR10). Also called: Limb-girdle muscular dystrophy, type 2J; MUSCULAR DYSTROPHY, LIMB-GIRDLE, AUTOSOMAL RECESSIVE 10. Identifiers: Orphanet 140922, MedGen C1837342, MONDO:0012127, OMIM 608807.
Dilated cardiomyopathy 1G (CMD1G). Identifiers: Orphanet 154, MedGen C1858763, MONDO:0011400, OMIM 604145.

Submission:

Labcorp Genetics (formerly Invitae), Labcorp
Classification: Likely pathogenic for Dilated cardiomyopathy 1G; Autosomal recessive limb-girdle muscular dystrophy type 2J. Last evaluated: 2025-12-14. Review status: criteria provided, single submitter. Criteria: Invitae Variant Classification Sherloc (09022015). Collection method: clinical testing. Allele origin: germline.
Comment: This sequence change creates a premature translational stop signal (p.Tyr5788*) in the TTN gene. While this is not anticipated to result in nonsense mediated decay, it is expected to create a truncated TTN protein. This variant is not present in population databases (gnomAD no frequency). This variant has not been reported in the literature in individuals affected with TTN-related conditions. Algorithms developed to predict the effect of sequence changes on RNA splicing suggest that this variant may disrupt the consensus splice site. This variant is located in the I band of TTN (PMID: 25589632). Truncating variants in this region have been reported in individuals affected with autosomal recessive centronuclear myopathy (PMID: 23975875, internal data). Truncating variants in this region have also been identified in individuals affected with autosomal dominant dilated cardiomyopathy and/or cardio-related conditions (PMID: 27869827, 32964742, internal data). In summary, the currently available evidence indicates that the variant is pathogenic, but additional data are needed to prove that conclusively. Therefore, this variant has been classified as Likely Pathogenic.

Literature cited by the submitters: PubMed 25589632; PubMed 23975875; PubMed 27869827; PubMed 32964742.